The following is an entry in ClinVar:

ClinVar aggregate classification (germline): Conflicting classifications of pathogenicity. Review status: criteria provided, conflicting classifications (1 of 4 stars). 4 submissions from 4 submitters: Uncertain significance (1); Likely benign (2). 1 of the submissions does not count toward it. Last evaluated 2024-11-13.

Conditions:
AKR1D1-related disorder. Also called: AKR1D1-related condition.

Allele frequency attached by ClinVar (database versions not stated): gnomAD exomes 0.00004 and 0.00006; ExAC 0.00007; 1000 Genomes Project 30x 0.00016; TOPMed 0.00016; gnomAD 0.00017; 1000 Genomes Project 0.00020; ESP Exome Variant Server 0.00038.
gnomAD v4.1: 94 of 1,606,054 alleles (0.0059%); highest among the groups gnomAD compares: African/African-American, 0.085%; 1 homozygote.

Submissions (4):

Blueprint Genetics
Classification: Likely benign. Last evaluated: 2024-11-13. Review status: criteria provided, single submitter. Criteria: ACMG Guidelines, 2015. Collection method: clinical testing. Allele origin: germline.

Labcorp Genetics (formerly Invitae), Labcorp
Classification: Likely benign. Last evaluated: 2022-11-12. Review status: criteria provided, single submitter. Criteria: Invitae Variant Classification Sherloc (09022015). Collection method: clinical testing. Allele origin: germline.

Eurofins Ntd Llc (ga)
Classification: Uncertain significance. Last evaluated: 2018-08-03. Review status: criteria provided, single submitter. Criteria: EGL ClinVar v180209 classification definitions. Collection method: clinical testing. Allele origin: germline. Observed: 4 variant alleles, 4 heterozygotes.

PreventionGenetics, part of Exact Sciences
Classification: Likely benign for AKR1D1-related condition. Last evaluated: 2019-03-27. Review status: no assertion criteria provided. Collection method: clinical testing. Allele origin: germline. Not counted in ClinVar's aggregate classification.
Comment: This variant is classified as likely benign based on ACMG/AMP sequence variant interpretation guidelines (Richards et al. 2015 PMID: 25741868, with internal and published modifications).

NM_005989.4(AKR1D1):c.396C>T (p.Tyr132=)

Gene: AKR1D1 (aldo-keto reductase family 1 member D1; plus strand). Cytogenetic location: 7q33.
Variant type: single nucleotide variant.
Coding change: c.396C>T on transcript NM_005989.4 (MANE Select); coding-DNA position 396, C replaced by T.
Protein change: p.Tyr132=; no amino-acid change (tyrosine 132 retained).
Molecular consequence: synonymous variant.
Genome position (GRCh38, 1-based): chr7:138,097,883, C>T. VCF-style: chr7-138097883-C-T. GRCh37 (hg19) VCF-style: chr7-137782629-C-T.
Other names: c.396C>T, p.Tyr132= (NM_001190906.2, NM_001190907.2); c.396C>T (NM_005989.3).
Identifiers: ClinVar variation 498037 (VCV000498037.11), dbSNP rs149920599, ClinGen allele CA4502685.